The following is an entry in ClinVar:

NM_001367624.2(ZNF469):c.2992A>G (p.Arg998Gly)

Gene: ZNF469 (zinc finger protein 469; plus strand). Cytogenetic location: 16q24.2.
Variant type: single nucleotide variant.
Coding change: c.2992A>G on transcript NM_001367624.2 (MANE Select); coding-DNA position 2992, A replaced by G.
Protein change: p.Arg998Gly; replaces arginine 998 with glycine.
Molecular consequence: missense variant.
Genome position (GRCh38, 1-based): chr16:88,430,462, A>G. VCF-style: chr16-88430462-A-G. GRCh37 (hg19) VCF-style: chr16-88496870-A-G.
Other names: NM_001127464.1:c.2992A>G; short protein forms R998G.
Identifiers: ClinVar variation 3232779 (VCV003232779.1), dbSNP rs1299237057, ClinGen allele CA397076640.

ClinVar aggregate classification (germline): Uncertain significance (1 of 4 stars; one submission).

Conditions:
Cardiovascular phenotype. Identifiers: MedGen CN230736.

Allele frequency attached by ClinVar (database versions not stated): gnomAD exomes below 0.00001.
gnomAD v4.1: 4 of 1,479,480 alleles (0.00027%); highest among the groups gnomAD compares: African/African-American, 0.0015%; no homozygotes.

Submission:

Ambry Genetics
Classification: Uncertain significance for Cardiovascular phenotype. Last evaluated: 2023-11-21. Review status: criteria provided, single submitter. Criteria: Ambry Variant Classification Scheme 2023. Collection method: clinical testing. Allele origin: germline.
Comment: The p.R998G variant (also known as c.2992A>G), located in coding exon 1 of the ZNF469 gene, results from an A to G substitution at nucleotide position 2992. The arginine at codon 998 is replaced by glycine, an amino acid with dissimilar properties. This amino acid position is conserved. In addition, this alteration is predicted to be tolerated by in silico analysis. Since supporting evidence is limited at this time, the clinical significance of this alteration remains unclear.